The following is an entry in ClinVar:

ClinVar aggregate classification (germline): Likely benign (1 of 4 stars; one submission).

Conditions:
Hypogonadotropic hypogonadism 5 with or without anosmia (KAL5). Also called: HYPOGONADOTROPIC HYPOGONADISM 5 WITH ANOSMIA; HYPOGONADOTROPHIC HYPOGONADISM 5 WITHOUT ANOSMIA; CHD7-Related GnRH Deficiency (Kallmann Syndrome 5). Identifiers: Orphanet 478, MedGen C3552553, MONDO:0012880, OMIM 612370. Disease mechanism: loss of function.

Allele frequency attached by ClinVar (database versions not stated): gnomAD 0.00088 and 0.00094; TOPMed 0.00100; 1000 Genomes Project 0.00120; 1000 Genomes Project 30x 0.00156.

Submission:

Illumina Laboratory Services, Illumina
Classification: Likely benign for Kallmann Syndrome 5. Last evaluated: 2018-01-12. Review status: criteria provided, single submitter. Criteria: ICSL Variant Classification Criteria 13 December 2019. Collection method: clinical testing. Allele origin: germline.
Comment: This variant was observed in the ICSL laboratory as part of a predisposition screen in an ostensibly healthy population. It had not been previously curated by ICSL or reported in the Human Gene Mutation Database (HGMD: prior to June 1st, 2018), and was therefore a candidate for classification through an automated scoring system. Utilizing variant allele frequency, disease prevalence and penetrance estimates, and inheritance mode, an automated score was calculated to assess if this variant is too frequent to cause the disease. Based on the score and internal cut-off values, a variant classified as likely benign is not then subjected to further curation. The score for this variant resulted in a classification of likely benign for this disease.

NM_017780.4(CHD7):c.*1123G>A

Gene: CHD7 (chromodomain helicase DNA binding protein 7; plus strand). Cytogenetic location: 8q12.2.
Variant type: single nucleotide variant.
Coding change: c.*1123G>A on transcript NM_017780.4 (MANE Select); 1123 bases downstream of the stop codon, G replaced by A.
Molecular consequence: 3 prime UTR variant.
Genome position (GRCh38, 1-based): chr8:60,867,056, G>A. VCF-style: chr8-60867056-G-A. GRCh37 (hg19) VCF-style: chr8-61779615-G-A.
Other names: c.*1123G>A (NM_001316690.1).
Identifiers: ClinVar variation 911939 (VCV000911939.4), dbSNP rs77847411, ClinGen allele CA177330703.